The following is an entry in ClinVar:

NM_006254.4(PRKCD):c.1762A>C (p.Thr588Pro)

Gene: PRKCD (protein kinase C delta; plus strand). Cytogenetic location: 3p21.1.
Variant type: single nucleotide variant.
Coding change: c.1762A>C on transcript NM_006254.4 (MANE Select); coding-DNA position 1762, A replaced by C.
Protein change: p.Thr588Pro; replaces threonine 588 with proline.
Molecular consequence: missense variant.
Genome position (GRCh38, 1-based): chr3:53,189,891, A>C. VCF-style: chr3-53189891-A-C. GRCh37 (hg19) VCF-style: chr3-53223907-A-C.
Other names: c.1762A>C, p.Thr588Pro (NM_001316327.2, NM_001354679.2, NM_001354680.2 and 1 more transcripts); c.1819A>C, p.Thr607Pro (NM_001354676.2); c.1810A>C, p.Thr604Pro (NM_001354678.2); short protein forms T604P, T588P, T607P.
Identifiers: ClinVar variation 4711323 (VCV004711323.1).
Genomic context (GRCh38, chr3:53,189,891, plus strand): 5'-CATGGCCCTTGGGTGCTAACCAGGGTCCCTGCTGGGTTGCAGCTCTTTGAAAGGGAACCA[A>C]CCAAGAGGCTGGGAGTGACCGGAAACATCAAAATCCACCCCTTCTTCAAGACCATAAACT-3'
Protein context (NP_006245.2, residues 578-598): ILEKLFEREP[Thr588Pro]KRLGVTGNIK

ClinVar aggregate classification (germline): Uncertain significance (1 of 4 stars; one submission).

Conditions:
Autoimmune lymphoproliferative syndrome, type III caused by mutation in PRKCD. Identifiers: Orphanet 3261, Orphanet 664711, MedGen C3809928, MONDO:8000024, OMIM 615559.

gnomAD v4.1: 8 of 1,614,096 alleles (0.0005%); highest among the groups gnomAD compares: Non-Finnish European, 0.00068%; no homozygotes.

Submission:

Labcorp Genetics (formerly Invitae), Labcorp
Classification: Uncertain significance for Autoimmune lymphoproliferative syndrome, type III caused by mutation in PRKCD. Last evaluated: 2025-10-04. Review status: criteria provided, single submitter. Criteria: Invitae Variant Classification Sherloc (09022015). Collection method: clinical testing. Allele origin: germline.
Comment: This sequence change replaces threonine, which is neutral and polar, with proline, which is neutral and non-polar, at codon 588 of the PRKCD protein (p.Thr588Pro). This variant is not present in population databases (gnomAD no frequency). This variant has not been reported in the literature in individuals affected with PRKCD-related conditions. An algorithm developed to predict the effect of missense changes on protein structure and function outputs the following: PolyPhen-2: "Benign". The proline amino acid residue is found in multiple mammalian species, which suggests that this missense change does not adversely affect protein function. In summary, the available evidence is currently insufficient to determine the role of this variant in disease. Therefore, it has been classified as a Variant of Uncertain Significance.